The following is an entry in ClinVar:

ClinVar aggregate classification (germline): Pathogenic/Likely pathogenic. Review status: criteria provided, multiple submitters, no conflicts (2 of 4 stars). 5 submissions from 5 submitters: Pathogenic (4); Likely pathogenic (1). Last evaluated 2026-02-19.

Conditions:
BEST1-related disorder. Also called: BEST1-related condition; BEST1-related disorders. Identifiers: MedGen CN239200.
Retinal dystrophy. Also called: Inherited retinal dystrophy. Identifiers: Orphanet 71862, MedGen C0854723, MeSH D058499, MONDO:0019118, HP:0000556.

Allele frequency attached by ClinVar (database versions not stated): gnomAD exomes 0.00001 and 0.00003; ExAC 0.00002; gnomAD 0.00002 and 0.00003; TOPMed 0.00005.
gnomAD v4.1: 40 of 1,613,450 alleles (0.0025%); highest among the groups gnomAD compares: South Asian, 0.0033%; no homozygotes.

Submissions (5):

PreventionGenetics, part of Exact Sciences
Classification: Pathogenic for BEST1-related condition. Last evaluated: 2026-02-19. Review status: criteria provided, single submitter. Criteria: ACMG Guidelines, 2015. Collection method: clinical testing. Allele origin: germline.
Comment: The BEST1 c.102C>T variant is not predicted to result in an amino acid change (p.=). This variant was reported, in the homozygous state or in the heterozygous state along with a second heterozygous variant in the same gene, in individuals with bestrophinopathy (Davidson et al. 2010. PubMed ID: 21203346; Low et al. 2019. PubMed ID: 31455904; Khojasteh et al. 2021. PubMed ID: 34012682; supplementary data, Lin et al. 2024. PubMed ID: 38219857). An in vitro assay indicated that this variant impacts splicing, leading to a premature stop codon (Davidson et al. 2010. PubMed ID: 21203346). This variant was also described in a large cohort of individuals with retinopathy (supplementary data, Wang et al. 2022. PubMed ID: 35973442). This variant was also reported in the heterozygous state in an affected individual (supplementary data, Karali et al. 2022. PubMed ID: 36460718). This variant is reported in 0.0026% of alleles in individuals of European (Non-Finnish) descent in gnomAD. This variant is interpreted as pathogenic for autosomal recessive BEST1 disease; however, the contribution of this variant to autosomal dominant disease remains uncertain.

GeneDx
Classification: Pathogenic. Last evaluated: 2025-02-12. Review status: criteria provided, single submitter. Criteria: GeneDx Variant Classification Process June 2021. Collection method: clinical testing. Allele origin: germline. Affected: yes.
Comment: RNA studies demonstrate a damaging effect that leads to alternate splicing by the creation of an upstream cryptic splice donor site (PMID: 21203346); Not observed at significant frequency in large population cohorts (gnomAD); In silico analysis supports a deleterious effect on splicing; This variant is associated with the following publications: (PMID: 36460718, 31455904, 27071392, 34012682, 38219857, 37747403, 33039401, 35973442, 27163236, 21203346, 30498755, 36450205, 29507198)

Labcorp Genetics (formerly Invitae), Labcorp
Classification: Pathogenic. Last evaluated: 2024-08-29. Review status: criteria provided, single submitter. Criteria: Invitae Variant Classification Sherloc (09022015). Collection method: clinical testing. Allele origin: germline.
Comment: This sequence change affects codon 34 of the BEST1 mRNA. It is a 'silent' change, meaning that it does not change the encoded amino acid sequence of the BEST1 protein. This variant is present in population databases (rs771898125, gnomAD 0.006%). This variant has been observed in individual(s) with autosomal recessive bestrophinopathy (PMID: 21203346, 27163236, 29507198, 30498755). In at least one individual the data is consistent with being in trans (on the opposite chromosome) from a pathogenic variant. ClinVar contains an entry for this variant (Variation ID: 418061). Studies have shown that this variant alters mRNA splicing and is expected to lead to the loss of protein expression (PMID: 21203346). For these reasons, this variant has been classified as Pathogenic.

Blueprint Genetics
Classification: Pathogenic for BEST1-related disorders. Last evaluated: 2022-09-30. Review status: criteria provided, single submitter. Criteria: ACMG Guidelines, 2015. Collection method: clinical testing. Allele origin: germline. Affected: yes. Observed: 5 variant alleles.

Institute of Human Genetics, Univ. Regensburg, Univ. Regensburg
Classification: Likely pathogenic for Retinal dystrophy. Last evaluated: 2022-01-01. Review status: criteria provided, single submitter. Criteria: ACMG Guidelines, 2015. Collection method: clinical testing. Allele origin: germline. Affected: yes.

Literature cited by the submitters: PubMed 21203346 (cited by Labcorp Genetics (formerly Invitae), Labcorp and Institute of Human Genetics, Univ. Regensburg, Univ. Regensburg); PubMed 27163236 (cited by Labcorp Genetics (formerly Invitae), Labcorp); PubMed 29507198 (cited by Labcorp Genetics (formerly Invitae), Labcorp); PubMed 30498755 (cited by Labcorp Genetics (formerly Invitae), Labcorp); PubMed 31455904 (cited by Institute of Human Genetics, Univ. Regensburg, Univ. Regensburg); PubMed 34012682 (cited by Institute of Human Genetics, Univ. Regensburg, Univ. Regensburg); PubMed 36460718 (cited by Institute of Human Genetics, Univ. Regensburg, Univ. Regensburg); PubMed 35973442 (cited by Institute of Human Genetics, Univ. Regensburg, Univ. Regensburg).

NM_004183.4(BEST1):c.102C>T (p.Gly34=)

Gene: BEST1 (bestrophin 1; plus strand). Cytogenetic location: 11q12.3.
Variant type: single nucleotide variant.
Coding change: c.102C>T on transcript NM_004183.4 (MANE Select); coding-DNA position 102, C replaced by T.
Protein change: p.Gly34=; no amino-acid change (glycine 34 retained).
Molecular consequence: synonymous variant. On other transcripts: non-coding transcript variant (1), intron variant (6).
Genome position (GRCh38, 1-based): chr11:61,951,908, C>T. VCF-style: chr11-61951908-C-T. GRCh37 (hg19) VCF-style: chr11-61719380-C-T.
Other names: c.102C>T, p.Gly34= (NM_001363592.2, NM_001440571.1, NM_001440572.1 and 1 more transcripts); c.-29+1481C>T (NM_001139443.3, NM_001300787.2, NM_001440574.1 and 3 more transcripts).
Identifiers: ClinVar variation 418061 (VCV000418061.15), dbSNP rs771898125, ClinGen allele CA6040674.
Genomic context (GRCh38, chr11:61,951,908, plus strand): 5'-AGGCTCCTTCTCCCGCCTGCTGCTGTGCTGGCGGGGCAGCATCTACAAGCTGCTATATGG[C>T]GAGTTCTTAATCTTCCTGCTCTGCTACTACATCATCCGCTTTATTTATAGGTAAAGCTGG-3'
Protein context (NP_004174.1, residues 24-44): WRGSIYKLLY[Gly34=]EFLIFLLCYY